The following is an entry in ClinVar:

NM_001854.4(COL11A1):c.4985C>G (p.Ser1662Ter)

Gene: COL11A1 (collagen type XI alpha 1 chain; minus strand). Cytogenetic location: 1p21.1.
Variant type: single nucleotide variant.
Coding change: c.4985C>G on transcript NM_001854.4 (MANE Select); coding-DNA position 4985, C replaced by G.
Protein change: p.Ser1662Ter; replaces serine 1662 with a stop codon.
Molecular consequence: nonsense. On other transcripts: non-coding transcript variant (1).
Genome position (GRCh38, 1-based): chr1:102,881,752, G>C on the plus strand (C>G on the coding strand, the complement: COL11A1 is on the minus strand). VCF-style: chr1-102881752-G-C. GRCh37 (hg19) VCF-style: chr1-103347308-G-C.
Other names: c.4868C>G, p.Ser1623Ter (NM_001190709.2); c.5021C>G, p.Ser1674Ter (NM_080629.3); c.4637C>G, p.Ser1546Ter (NM_080630.4); short protein forms S1546*, S1623*, S1662*, S1674*.
Identifiers: ClinVar variation 1453035 (VCV001453035.6), dbSNP rs956233074, ClinGen allele CA341211386.
Genomic context (GRCh38, chr1:102,881,752, plus strand): 5'-CATACCAGTTTTCCCCTCTTAAATTCACTAAACCAACTTCCTGGTTTCTCCTTTGGCCAT[G>C]ATGAAATTCTTACCTGTTGCAAAGGAACAGAAAAGTTAGTGAGTAGGTGAAAATTTACAA-3'

ClinVar aggregate classification (germline): Pathogenic (1 of 4 stars; one submission).

Submission:

Labcorp Genetics (formerly Invitae), Labcorp
Classification: Pathogenic. Last evaluated: 2022-09-06. Review status: criteria provided, single submitter. Criteria: Invitae Variant Classification Sherloc (09022015). Collection method: clinical testing. Allele origin: germline.
Comment: For these reasons, this variant has been classified as Pathogenic. This variant has not been reported in the literature in individuals affected with COL11A1-related conditions. This variant is not present in population databases (gnomAD no frequency). This sequence change creates a premature translational stop signal (p.Ser1662*) in the COL11A1 gene. It is expected to result in an absent or disrupted protein product. Loss-of-function variants in COL11A1 are known to be pathogenic (PMID: 20513134, 21035103, 23922384, 25240749, 32427345, 32756486).

Literature cited by the submitters: PubMed 20513134; PubMed 21035103; PubMed 23922384; PubMed 25240749; PubMed 32427345; PubMed 32756486.